The following is an entry in ClinVar:

GRCh37/hg19 7q11.23(chr7:72718278-74142256)x1

Genes: ABHD11-AS1 (ABHD11 antisense RNA 1 (tail to tail); plus strand), BAZ1B (bromodomain adjacent to zinc finger domain 1B; minus strand), BCL7B (BAF chromatin remodeling complex subunit BCL7B; minus strand), ABHD11 (abhydrolase domain containing 11; minus strand), BUD23 (BUD23 rRNA methyltransferase and ribosome maturation factor; plus strand) and 22 more. Cytogenetic location: 7q11.23.
Variant type: copy number loss.
Change: copy number 1 (one copy instead of two) of chr7:72,718,278-74,142,256 (1.42 Mb, GRCh37 coordinates, 1-based), cytogenetic band 7q11.23.
Identifiers: ClinVar variation 1807742 (VCV001807742.2).

ClinVar aggregate classification (germline): Pathogenic (1 of 4 stars; one submission).

Submission:

Quest Diagnostics Nichols Institute San Juan Capistrano
Classification: Pathogenic. Last evaluated: 2022-08-04. Review status: criteria provided, single submitter. Criteria: ACMG/ClinGen CNV Guidelines, 2019. Collection method: clinical testing. Allele origin: unknown.
Comment: This copy number loss involves a number of genes, including ELN and LIMK1, and is expected to cause a phenotype consistent with Williams-Beuren syndrome (OMIM 194050). See GeneReviews for additional information and references.